The following is an entry in ClinVar:

ClinVar aggregate classification (germline): Uncertain significance (1 of 4 stars; one submission).

Allele frequency attached by ClinVar (database versions not stated): gnomAD exomes below 0.00001.
gnomAD v4.1: 1 of 1,614,206 alleles (0.000062%); highest among the groups gnomAD compares: Non-Finnish European, 0.000085%; no homozygotes.

Submission:

Ambry Genetics
Classification: Uncertain significance. Last evaluated: 2025-06-08. Review status: criteria provided, single submitter. Criteria: Ambry Variant Classification Scheme 2023. Collection method: clinical testing. Allele origin: germline.
Comment: The p.C1031G variant (also known as c.3091T>G), located in coding exon 1 of the MLH3 gene, results from a T to G substitution at nucleotide position 3091. The cysteine at codon 1031 is replaced by glycine, an amino acid with highly dissimilar properties. This amino acid position is conserved. In addition, the in silico prediction for this alteration is inconclusive. Since supporting evidence is limited at this time, the clinical significance of this alteration remains unclear.

NM_001040108.2(MLH3):c.3091T>G (p.Cys1031Gly)

Gene: MLH3 (mutL homolog 3; minus strand). Cytogenetic location: 14q24.3.
Variant type: single nucleotide variant.
Coding change: c.3091T>G on transcript NM_001040108.2 (MANE Select); coding-DNA position 3091, T replaced by G.
Protein change: p.Cys1031Gly; replaces cysteine 1031 with glycine.
Molecular consequence: missense variant.
Genome position (GRCh38, 1-based): chr14:75,046,565, A>C on the plus strand (T>G on the coding strand, the complement: MLH3 is on the minus strand). VCF-style: chr14-75046565-A-C. GRCh37 (hg19) VCF-style: chr14-75513268-A-C.
Other names: c.3091T>G, p.Cys1031Gly (NM_014381.3); short protein forms C1031G.
Identifiers: ClinVar variation 2448676 (VCV002448676.3), dbSNP rs1356513566, ClinGen allele CA390436396.